The following is an entry in ClinVar:

ClinVar aggregate classification (germline): Likely pathogenic (1 of 4 stars; one submission).

Submission:

Labcorp Genetics (formerly Invitae), Labcorp
Classification: Likely pathogenic. Last evaluated: 2025-10-25. Review status: criteria provided, single submitter. Criteria: Invitae Variant Classification Sherloc (09022015). Collection method: clinical testing. Allele origin: germline.
Comment: This sequence change replaces tryptophan, which is neutral and slightly polar, with arginine, which is basic and polar, at codon 99 of the AVPR2 protein (p.Trp99Arg). This variant is not present in population databases (gnomAD no frequency). This missense change has been observed in individuals with clinical features of nephrogenic diabetes insipidus (PMID: 10820167, 27577218). Invitae Evidence Modeling of protein sequence and biophysical properties (such as structural, functional, and spatial information, amino acid conservation, physicochemical variation, residue mobility, and thermodynamic stability) indicates that this missense variant is expected to disrupt AVPR2 protein function with a positive predictive value of 80%. Experimental studies have shown that this missense change affects AVPR2 function (PMID: 10820167). In summary, the currently available evidence indicates that the variant is pathogenic, but additional data are needed to prove that conclusively. Therefore, this variant has been classified as Likely Pathogenic.

Literature cited by the submitters: PubMed 10820167; PubMed 27577218.

NM_000054.7(AVPR2):c.295T>C (p.Trp99Arg)

Gene: AVPR2 (arginine vasopressin receptor 2; plus strand). Cytogenetic location: Xq28.
Variant type: single nucleotide variant.
Coding change: c.295T>C on transcript NM_000054.7 (MANE Select); coding-DNA position 295, T replaced by C.
Protein change: p.Trp99Arg; replaces tryptophan 99 with arginine.
Molecular consequence: missense variant.
Genome position (GRCh38, 1-based): chrX:153,905,801, T>C. VCF-style: chrX-153905801-T-C. GRCh37 (hg19) VCF-style: chrX-153171255-T-C.
Other names: c.295T>C, p.Trp99Arg (NM_001146151.3); short protein forms W99R.
Identifiers: ClinVar variation 4710917 (VCV004710917.1).